The following is an entry in ClinVar:

NM_006031.6(PCNT):c.6433_6495del (p.Gln2145_Asn2165del)

Gene: PCNT (pericentrin; plus strand). Cytogenetic location: 21q22.3.
Variant type: Deletion.
Coding change: c.6433_6495del on transcript NM_006031.6 (MANE Select); coding-DNA positions 6433 to 6495, 63 bases deleted.
Protein change: p.Gln2145_Asn2165del.
Molecular consequence: inframe deletion.
Genome position (GRCh38, 1-based): chr21:46,416,351-46,416,413, 63 bases deleted. GRCh37 (hg19): chr21:47,836,265-47,836,327.
Other names: c.6079_6141del, p.Gln2027_Asn2047del (NM_001315529.2); c.6433_6495del63 (NM_006031.5).
Identifiers: ClinVar variation 2085197 (VCV002085197.2), dbSNP rs1569277589, ClinGen allele CA638499603.

ClinVar aggregate classification (germline): Uncertain significance. Review status: criteria provided, single submitter (1 of 4 stars). 2 submissions from 2 submitters: Uncertain significance (1). 1 of the submissions does not count toward it. Last evaluated 2022-06-30.

Conditions:
PCNT-related disorder. Also called: PCNT-related condition.

Submissions (2):

Labcorp Genetics (formerly Invitae), Labcorp
Classification: Uncertain significance. Last evaluated: 2022-06-30. Review status: criteria provided, single submitter. Criteria: Invitae Variant Classification Sherloc (09022015). Collection method: clinical testing. Allele origin: germline.
Comment: This variant, c.6433_6495del, results in the deletion of 21 amino acid(s) of the PCNT protein (p.Gln2145_Asn2165del), but otherwise preserves the integrity of the reading frame. This variant is present in population databases (no rsID available, gnomAD 0.02%). This variant has not been reported in the literature in individuals affected with PCNT-related conditions. In summary, the available evidence is currently insufficient to determine the role of this variant in disease. Therefore, it has been classified as a Variant of Uncertain Significance.

PreventionGenetics, part of Exact Sciences
Classification: Uncertain significance for PCNT-related condition. Last evaluated: 2024-05-21. Review status: no assertion criteria provided. Collection method: clinical testing. Allele origin: germline. Not counted in ClinVar's aggregate classification.
Comment: The PCNT c.6433_6495del63 variant is predicted to result in an in-frame deletion (p.Gln2145_Asn2165del). To our knowledge, this variant has not been reported in the literature. This variant is reported in 0.023% of alleles in individuals of African descent in gnomAD. At this time, the clinical significance of this variant is uncertain due to the absence of conclusive functional and genetic evidence.